The following is an entry in ClinVar:

ClinVar aggregate classification (germline): Conflicting classifications of pathogenicity. Review status: criteria provided, conflicting classifications (1 of 4 stars). 3 submissions from 3 submitters: Uncertain significance (1); Likely benign (1). 1 of the submissions does not count toward it. Last evaluated 2025-09-22.

Allele frequency attached by ClinVar (database versions not stated): ExAC 0.00004; gnomAD exomes 0.00007 and 0.00014; gnomAD 0.00009; TOPMed 0.00012; ESP Exome Variant Server 0.00015.

Submissions (3):

Labcorp Genetics (formerly Invitae), Labcorp
Classification: Uncertain significance. Last evaluated: 2025-09-22. Review status: criteria provided, single submitter. Criteria: Invitae Variant Classification Sherloc (09022015). Collection method: clinical testing. Allele origin: germline.
Comment: This sequence change replaces arginine, which is basic and polar, with cysteine, which is neutral and slightly polar, at codon 110 of the TNNT3 protein (p.Arg110Cys). This variant is present in population databases (rs144957238, gnomAD 0.02%). This variant has not been reported in the literature in individuals affected with TNNT3-related conditions. ClinVar contains an entry for this variant (Variation ID: 31873). An algorithm developed to predict the effect of missense changes on protein structure and function (PolyPhen-2) suggests that this variant is likely to be disruptive. In summary, the available evidence is currently insufficient to determine the role of this variant in disease. Therefore, it has been classified as a Variant of Uncertain Significance.

Genetic Services Laboratory, University of Chicago
Classification: Likely benign. Last evaluated: 2017-02-01. Review status: criteria provided, single submitter. Criteria: ACMG Guidelines, 2015. Collection method: clinical testing. Allele origin: germline. Affected: no.

Leiden Muscular Dystrophy (TNNT3)
No classification provided. Last evaluated: 2012-03-18. Review status: no classification provided. Collection method: curation. Allele origin: germline. Not counted in ClinVar's aggregate classification.

NM_006757.4(TNNT3):c.328C>T (p.Arg110Cys)

Gene: TNNT3 (troponin T3, fast skeletal type; plus strand). Cytogenetic location: 11p15.5.
Variant type: single nucleotide variant.
Coding change: c.328C>T on transcript NM_006757.4 (MANE Select); coding-DNA position 328, C replaced by T.
Protein change: p.Arg110Cys; replaces arginine 110 with cysteine.
Molecular consequence: missense variant.
Genome position (GRCh38, 1-based): chr11:1,933,970, C>T. VCF-style: chr11-1933970-C-T. GRCh37 (hg19) VCF-style: chr11-1955200-C-T.
Other names: c.304C>T, p.Arg102Cys (NM_001042780.3, NM_001042782.3, NM_001297646.2 and 2 more transcripts); c.322C>T, p.Arg108Cys (NM_001042781.3, NM_001367842.1, NM_001367843.1); c.337C>T, p.Arg113Cys (NM_001363561.2, NM_001367847.1); c.361C>T, p.Arg121Cys (NM_001367846.1); c.325C>T, p.Arg109Cys (NM_001367848.1); c.316C>T, p.Arg106Cys (NM_001367849.1); c.271C>T, p.Arg91Cys (NM_001367850.1); c.124C>T, p.Arg42Cys (NM_001367851.1, NM_001367852.1); short protein forms R110C, R102C, R106C, R91C, R42C, R113C, R108C, R109C.
Identifiers: ClinVar variation 31873 (VCV000031873.14), dbSNP rs144957238, ClinGen allele CA215426.